The following is an entry in ClinVar:

NM_002397.5(MEF2C):c.811-13C>T

Gene: MEF2C (myocyte enhancer factor 2C; minus strand). Cytogenetic location: 5q14.3.
Variant type: single nucleotide variant.
Coding change: c.811-13C>T on transcript NM_002397.5 (MANE Select); 13 bases into the intron before coding-DNA position 811, C replaced by T.
Molecular consequence: intron variant.
Genome position (GRCh38, 1-based): chr5:88,730,247, G>A on the plus strand (C>T on the coding strand, the complement: MEF2C is on the minus strand). VCF-style: chr5-88730247-G-A. GRCh37 (hg19) VCF-style: chr5-88026064-G-A.
Other names: c.811-13C>T (NM_001364329.2, NM_001364330.2, NM_001193350.2 and 9 more transcripts); c.811-900C>T (NM_001364333.2, NM_001308002.3, NM_001364349.2 and 6 more transcripts); c.667-13C>T (NM_001364344.2, NM_001364354.2, NM_001364332.2 and 2 more transcripts); c.433-13C>T (NM_001364353.2, NM_001364356.2); c.805-900C>T (NM_001131005.2, NM_001364352.2, NM_001364343.2); c.865-900C>T (NM_001193347.1, NM_001364338.2); c.667-900C>T (NM_001193348.1); c.385-900C>T (NM_001364357.2).
Identifiers: ClinVar variation 206121 (VCV000206121.10), dbSNP rs201988423, ClinGen allele CA315898.

ClinVar aggregate classification (germline): Benign/Likely benign. Review status: criteria provided, multiple submitters, no conflicts (2 of 4 stars). 3 submissions from 3 submitters: Benign (2); Likely benign (1). Last evaluated 2026-02-03.

Conditions:
Neurodevelopmental disorder with hypotonia, stereotypic hand movements, and impaired language. Also called: Intellectual disability, autosomal dominant 20. Identifiers: Orphanet 228384, Orphanet 664410, MedGen C3150700, MONDO:0013266, OMIM 613443.

Allele frequency attached by ClinVar (database versions not stated): 1000 Genomes Project 30x 0.00109; gnomAD 0.00113 and 0.00102; gnomAD exomes 0.00013 and 0.00039; ExAC 0.00065; 1000 Genomes Project 0.00100; TOPMed 0.00123; ESP Exome Variant Server 0.00126.
gnomAD v4.1: 347 of 1,571,120 alleles (0.022%); highest among the groups gnomAD compares: African/African-American, 0.36%; no homozygotes.

Submissions (3):

Labcorp Genetics (formerly Invitae), Labcorp
Classification: Benign for Neurodevelopmental disorder with hypotonia, stereotypic hand movements, and impaired language. Last evaluated: 2026-02-03. Review status: criteria provided, single submitter. Criteria: Invitae Variant Classification Sherloc (09022015). Collection method: clinical testing. Allele origin: germline.

Blueprint Genetics
Classification: Likely benign. Last evaluated: 2022-07-04. Review status: criteria provided, single submitter. Criteria: ACMG Guidelines, 2015. Collection method: clinical testing. Allele origin: germline.

GeneDx
Classification: Benign. Last evaluated: 2014-08-04. Review status: criteria provided, single submitter. Criteria: GeneDx Variant Classification (06012015). Collection method: clinical testing. Allele origin: germline. Affected: yes.
Comment: This variant is considered likely benign or benign based on one or more of the following criteria: it is a conservative change, it occurs at a poorly conserved position in the protein, it is predicted to be benign by multiple in silico algorithms, and/or has population frequency not consistent with disease.